The following is an entry in ClinVar:

NM_001312909.2(FAM111A):c.1520A>G (p.Glu507Gly)

Gene: FAM111A (FAM111 trypsin like peptidase A; plus strand). Cytogenetic location: 11q12.1.
Variant type: single nucleotide variant.
Coding change: c.1520A>G on transcript NM_001312909.2 (MANE Select); coding-DNA position 1520, A replaced by G.
Protein change: p.Glu507Gly; replaces glutamic acid 507 with glycine.
Molecular consequence: missense variant.
Genome position (GRCh38, 1-based): chr11:59,153,188, A>G. VCF-style: chr11-59153188-A-G. GRCh37 (hg19) VCF-style: chr11-58920661-A-G.
Other names: c.1520A>G, p.Glu507Gly (NM_001142519.3, NM_001142520.3, NM_001142521.3 and 29 more transcripts); c.1520A>G (NM_001142520.1); short protein forms E507G.
Identifiers: ClinVar variation 3694475 (VCV003694475.3).
Genomic context (GRCh38, chr11:59,153,188, plus strand): 5'-TGATCCCTCAGGGTCAGCGAGCAAAGAAATGTCAGGAACGTGTTCAGTCTAAAAAAGCAG[A>G]AAGTCCAGAGTATGTCCATATGTATACTCAAAGAAGTTTCCAGAAAATAGTTCACAACCC-3'
Protein context (NP_001299838.1, residues 497-517): CQERVQSKKA[Glu507Gly]SPEYVHMYTQ

ClinVar aggregate classification (germline): Uncertain significance. Review status: criteria provided, multiple submitters, no conflicts (2 of 4 stars). 2 submissions from 2 submitters: Uncertain significance (2). Last evaluated 2025-10-28.

Conditions:
Inborn genetic diseases. Identifiers: MedGen C0950123, MeSH D030342.

gnomAD v4.1: 1 of 1,614,204 alleles (0.000062%); highest among the groups gnomAD compares: Non-Finnish European, 0.000085%; no homozygotes.

Submissions (2):

Ambry Genetics
Classification: Uncertain significance for Inborn genetic diseases. Last evaluated: 2025-10-28. Review status: criteria provided, single submitter. Criteria: Ambry Variant Classification Scheme 2023. Collection method: clinical testing. Allele origin: germline.

Labcorp Genetics (formerly Invitae), Labcorp
Classification: Uncertain significance. Last evaluated: 2024-05-28. Review status: criteria provided, single submitter. Criteria: Invitae Variant Classification Sherloc (09022015). Collection method: clinical testing. Allele origin: germline.
Comment: This sequence change replaces glutamic acid, which is acidic and polar, with glycine, which is neutral and non-polar, at codon 507 of the FAM111A protein (p.Glu507Gly). This variant is not present in population databases (gnomAD no frequency). This variant has not been reported in the literature in individuals affected with FAM111A-related conditions. Advanced modeling of protein sequence and biophysical properties (such as structural, functional, and spatial information, amino acid conservation, physicochemical variation, residue mobility, and thermodynamic stability) performed at Invitae indicates that this missense variant is not expected to disrupt FAM111A protein function with a negative predictive value of 80%. In summary, the available evidence is currently insufficient to determine the role of this variant in disease. Therefore, it has been classified as a Variant of Uncertain Significance.